The following is an entry in ClinVar:

ClinVar aggregate classification (germline): Uncertain significance. Review status: criteria provided, multiple submitters, no conflicts (2 of 4 stars). 2 submissions from 2 submitters: Uncertain significance (2). Last evaluated 2026-01-12.

Allele frequency attached by ClinVar (database versions not stated): gnomAD 0.00002; ExAC 0.00002; TOPMed 0.00002; gnomAD exomes 0.00003.
gnomAD v4.1: 52 of 1,614,026 alleles (0.0032%); highest among the groups gnomAD compares: Non-Finnish European, 0.004%; no homozygotes.

Submissions (2):

Labcorp Genetics (formerly Invitae), Labcorp
Classification: Uncertain significance. Last evaluated: 2026-01-12. Review status: criteria provided, single submitter. Criteria: Invitae Variant Classification Sherloc (09022015). Collection method: clinical testing. Allele origin: germline.
Comment: This sequence change replaces arginine, which is basic and polar, with histidine, which is basic and polar, at codon 1240 of the MYO6 protein (p.Arg1240His). This variant is present in population databases (rs772457315, gnomAD 0.006%). This variant has not been reported in the literature in individuals affected with MYO6-related conditions. ClinVar contains an entry for this variant (Variation ID: 1305017). Invitae Evidence Modeling of protein sequence and biophysical properties (such as structural, functional, and spatial information, amino acid conservation, physicochemical variation, residue mobility, and thermodynamic stability) indicates that this missense variant is not expected to disrupt MYO6 protein function with a negative predictive value of 80%. In summary, the available evidence is currently insufficient to determine the role of this variant in disease. Therefore, it has been classified as a Variant of Uncertain Significance.

GeneDx
Classification: Uncertain significance. Last evaluated: 2024-05-14. Review status: criteria provided, single submitter. Criteria: GeneDx Variant Classification Process June 2021. Collection method: clinical testing. Allele origin: germline. Affected: yes.
Comment: In silico analysis supports that this missense variant has a deleterious effect on protein structure/function; Has not been previously published as pathogenic or benign to our knowledge

NM_004999.4(MYO6):c.3719G>A (p.Arg1240His)

Gene: MYO6 (myosin VI; plus strand). Cytogenetic location: 6q14.1.
Variant type: single nucleotide variant.
Coding change: c.3719G>A on transcript NM_004999.4 (MANE Select); coding-DNA position 3719, G replaced by A.
Protein change: p.Arg1240His; replaces arginine 1240 with histidine.
Molecular consequence: missense variant. On other transcripts: non-coding transcript variant (1).
Genome position (GRCh38, 1-based): chr6:75,914,873, G>A. VCF-style: chr6-75914873-G-A. GRCh37 (hg19) VCF-style: chr6-76624590-G-A.
Other names: c.3650G>A, p.Arg1217His (NM_001300899.2); c.3623G>A, p.Arg1208His (NM_001368136.1); c.3680G>A, p.Arg1227His (NM_001368137.1); c.3635G>A, p.Arg1212His (NM_001368138.1); c.3746G>A, p.Arg1249His (NM_001368865.1); c.3719G>A, p.Arg1240His (NM_001368866.1); short protein forms R1208H, R1212H, R1217H, R1227H, R1240H, R1249H.
Identifiers: ClinVar variation 1305017 (VCV001305017.6), dbSNP rs772457315, ClinGen allele CA3897803.
Genomic context (GRCh38, chr6:75,914,873, plus strand): 5'-GTAAGGACGACATGGAGATGTGTGAGCTGAATCTTGAGGAGACTGGCCTGACTCGGAAGC[G>A]TGGTGCTGAGATCTTGCCAAGACAGTTTGAAGAAATCTGGGAACGCTGTGGAGGCATCCA-3'
Protein context (NP_004990.3, residues 1230-1250): NLEETGLTRK[Arg1240His]GAEILPRQFE